The following is an entry in ClinVar:

NM_000059.4(BRCA2):c.630A>T (p.Ile210=)

Gene: BRCA2 (BRCA2 DNA repair associated; plus strand). Cytogenetic location: 13q13.1.
Variant type: single nucleotide variant.
Coding change: c.630A>T on transcript NM_000059.4 (MANE Select); coding-DNA position 630, A replaced by T.
Protein change: p.Ile210=; no amino-acid change (isoleucine 210 retained).
Molecular consequence: synonymous variant. On other transcripts: non-coding transcript variant (1).
Genome position (GRCh38, 1-based): chr13:32,326,612, A>T. VCF-style: chr13-32326612-A-T. GRCh37 (hg19) VCF-style: chr13-32900749-A-T.
Other names: c.630A>T, p.Ile210= (NM_001406719.1, NM_001406720.1, NM_001406721.1 and 1 more transcripts); c.261A>T, p.Ile87= (NM_001406722.1).
Identifiers: ClinVar variation 4803605 (VCV004803605.2).

ClinVar aggregate classification (germline): Uncertain significance. Review status: criteria provided, multiple submitters, no conflicts (2 of 4 stars). 2 submissions from 2 submitters: Uncertain significance (2). Last evaluated 2025-12-15.

Conditions:
Hereditary breast ovarian cancer syndrome. Also called: Hereditary breast and ovarian cancer syndrome; Hereditary breast and ovarian cancer; Hereditary breast and ovarian cancer syndrome (HBOC); Breast and ovarian cancer; Hereditary breast and/or ovarian cancer syndrome; BRCA1- and BRCA2-Associated Hereditary Breast and Ovarian Cancer. Identifiers: Orphanet 145, MedGen C0677776, MeSH D061325, MONDO:0003582. Disease mechanism: loss of function.

gnomAD v4.1: 1 of 1,577,362 alleles (0.000063%); highest among the groups gnomAD compares: Non-Finnish European, 0.000087%; no homozygotes.

Submissions (2):

Labcorp Genetics (formerly Invitae), Labcorp
Classification: Uncertain significance for Hereditary breast ovarian cancer syndrome. Last evaluated: 2025-12-15. Review status: criteria provided, single submitter. Criteria: Invitae Variant Classification Sherloc (09022015). Collection method: clinical testing. Allele origin: germline.
Comment: This sequence change affects codon 210 of the BRCA2 mRNA. It is a 'silent' change, meaning that it does not change the encoded amino acid sequence of the BRCA2 protein. It affects a nucleotide within the consensus splice site. This variant is not present in population databases (gnomAD no frequency). This variant has not been reported in the literature in individuals affected with BRCA2-related conditions. Algorithms developed to predict the effect of sequence changes on RNA splicing suggest that this variant may disrupt the consensus splice site. In summary, the available evidence is currently insufficient to determine the role of this variant in disease. Therefore, it has been classified as a Variant of Uncertain Significance.

Blueprint Genetics
Classification: Uncertain significance. Last evaluated: 2024-10-15. Review status: criteria provided, single submitter. Criteria: ACMG Guidelines, 2015. Collection method: clinical testing. Allele origin: germline.